The following is an entry in ClinVar:

NM_024312.5(GNPTAB):c.1691C>G (p.Pro564Arg)

Gene: GNPTAB (N-acetylglucosamine-1-phosphate transferase subunits alpha and beta; minus strand). Cytogenetic location: 12q23.2.
Variant type: single nucleotide variant.
Coding change: c.1691C>G on transcript NM_024312.5 (MANE Select); coding-DNA position 1691, C replaced by G.
Protein change: p.Pro564Arg; replaces proline 564 with arginine.
Molecular consequence: missense variant.
Genome position (GRCh38, 1-based): chr12:101,765,226, G>C on the plus strand (C>G on the coding strand, the complement: GNPTAB is on the minus strand). VCF-style: chr12-101765226-G-C. GRCh37 (hg19) VCF-style: chr12-102159004-G-C.
Other names: short protein forms P564R.
Identifiers: ClinVar variation 4068865 (VCV004068865.2).

ClinVar aggregate classification (germline): Uncertain significance. Review status: criteria provided, single submitter (1 of 4 stars). 2 submissions from 2 submitters: Uncertain significance (1). 1 of the submissions does not count toward it. Last evaluated 2025-09-10.

Conditions:
Mucolipidosis type II. Also called: ML II ALPHA/BETA; Mucolipidosis 2; ML 2; Inclusion cell disease; Leroy Disease; N-acetylglucosamine 1phosphotransferase deficiency. Identifiers: Orphanet 576, MedGen C2673377, MONDO:0009650, OMIM 252500.

Submissions (2):

Women's Health and Genetics/Laboratory Corporation of America, LabCorp
Classification: Uncertain significance. Last evaluated: 2025-09-10. Review status: criteria provided, single submitter. Criteria: LabCorp Variant Classification Summary - May 2015. Collection method: clinical testing. Allele origin: germline.
Comment: Variant summary: GNPTAB c.1691C>G (p.Pro564Arg) results in a non-conservative amino acid change in the encoded protein sequence. Algorithms developed to predict the effect of missense changes on protein structure and function all suggest that this variant is likely to be disruptive. The variant was absent in 251088 control chromosomes. The available data on variant occurrences in the general population are insufficient to allow any conclusion about variant significance. c.1691C>G has been observed in at least one individual affected with suspected Mucolipidosis without reported genotype (e.g. Velho_2019). These report(s) do not provide unequivocal conclusions about association of the variant with Mucolipidosis. To our knowledge, no experimental evidence demonstrating an impact on protein function has been reported. The following publication has been ascertained in the context of this evaluation (PMID: 30882951). ClinVar contains an entry for this variant (Variation ID: 4068865). Based on the evidence outlined above, the variant was classified as uncertain significance.

Natera, Inc.
Classification: Uncertain significance for Mucolipidosis type II. Last evaluated: 2025-01-22. Review status: no assertion criteria provided. Collection method: clinical testing. Allele origin: germline. Not counted in ClinVar's aggregate classification.

Literature cited by the submitters: PubMed 30882951 (cited by Women's Health and Genetics/Laboratory Corporation of America, LabCorp).